The following is an entry in ClinVar:

ClinVar aggregate classification (germline): Uncertain significance. Review status: criteria provided, multiple submitters, no conflicts (2 of 4 stars). 2 submissions from 2 submitters: Uncertain significance (2). Last evaluated 2025-01-28.

Conditions:
Autosomal recessive limb-girdle muscular dystrophy type 2J (LGMDR10). Also called: Limb-girdle muscular dystrophy, type 2J; MUSCULAR DYSTROPHY, LIMB-GIRDLE, AUTOSOMAL RECESSIVE 10. Identifiers: Orphanet 140922, MedGen C1837342, MONDO:0012127, OMIM 608807.
Dilated cardiomyopathy 1G (CMD1G). Identifiers: Orphanet 154, MedGen C1858763, MONDO:0011400, OMIM 604145.

Allele frequency attached by ClinVar (database versions not stated): TOPMed 0.00002.
gnomAD v4.1: 1 of 1,613,524 alleles (0.000062%); highest among the groups gnomAD compares: African/African-American, 0.0013%; no homozygotes.

Submissions (2):

Women's Health and Genetics/Laboratory Corporation of America, LabCorp
Classification: Uncertain significance. Last evaluated: 2025-01-28. Review status: criteria provided, single submitter. Criteria: LabCorp Variant Classification Summary - May 2015. Collection method: clinical testing. Allele origin: germline.
Comment: Variant summary: TTN c.98086G>C (p.Val32696Leu) results in a conservative amino acid change located in the M-band region of the encoded protein sequence. Five of five in-silico tools predict a benign effect of the variant on protein function. The variant allele was found at a frequency of 4e-06 in 249022 control chromosomes. The available data on variant occurrences in the general population are insufficient to allow any conclusion about variant significance. To our knowledge, no occurrence of c.98086G>C in individuals affected with Autosomal Recessive Titinopathy and no experimental evidence demonstrating its impact on protein function have been reported. ClinVar contains an entry for this variant (Variation ID: 535113). Based on the evidence outlined above, the variant was classified as uncertain significance.

Labcorp Genetics (formerly Invitae), Labcorp
Classification: Uncertain significance for Dilated cardiomyopathy 1G; Autosomal recessive limb-girdle muscular dystrophy type 2J. Last evaluated: 2017-09-05. Review status: criteria provided, single submitter. Criteria: Invitae Variant Classification Sherloc (09022015). Collection method: clinical testing. Allele origin: germline.

NM_001267550.2(TTN):c.105790G>C (p.Val35264Leu)

Genes: TTN-AS1 (TTN antisense RNA 1; plus strand), TTN (titin; minus strand), LOC129935183 (ATAC-STARR-seq lymphoblastoid active region 16808; plus strand). Cytogenetic location: 2q31.2.
Variant type: single nucleotide variant.
Coding change: c.105790G>C on transcript NM_001267550.2 (MANE Select); coding-DNA position 105790, G replaced by C.
Protein change: p.Val35264Leu; replaces valine 35264 with leucine.
Molecular consequence: missense variant.
Genome position (GRCh38, 1-based): chr2:178,530,825, C>G on the plus strand (G>C on the coding strand, the complement: TTN is on the minus strand). VCF-style: chr2-178530825-C-G. GRCh37 (hg19) VCF-style: chr2-179395552-C-G.
Other names: c.100867G>C, p.Val33623Leu (NM_001256850.1); c.78595G>C, p.Val26199Leu (NM_003319.4); c.98086G>C, p.Val32696Leu (NM_133378.4); c.78970G>C, p.Val26324Leu (NM_133432.3); c.79171G>C, p.Val26391Leu (NM_133437.4); short protein forms V35264L, V26199L, V33623L, V32696L, V26324L, V26391L.
Identifiers: ClinVar variation 535113 (VCV000535113.5), dbSNP rs770730954, ClinGen allele CA1985212.